The following is an entry in ClinVar:

NM_001846.4(COL4A2):c.1790A>G (p.Lys597Arg)

Gene: COL4A2 (collagen type IV alpha 2 chain; plus strand). Cytogenetic location: 13q34.
Variant type: single nucleotide variant.
Coding change: c.1790A>G on transcript NM_001846.4 (MANE Select); coding-DNA position 1790, A replaced by G.
Protein change: p.Lys597Arg; replaces lysine 597 with arginine.
Molecular consequence: missense variant.
Genome position (GRCh38, 1-based): chr13:110,465,418, A>G. VCF-style: chr13-110465418-A-G. GRCh37 (hg19) VCF-style: chr13-111117765-A-G.
Other names: short protein forms K597R.
Identifiers: ClinVar variation 311135 (VCV000311135.13), dbSNP rs201676472, ClinGen allele CA7049722.

ClinVar aggregate classification (germline): Benign/Likely benign. Review status: criteria provided, multiple submitters, no conflicts (2 of 4 stars). 3 submissions from 3 submitters: Benign (2); Likely benign (1). Last evaluated 2024-05-08.

Conditions:
Brain small vessel disease 2A, autosomal dominant. Also called: Porencephaly 2. Identifiers: Orphanet 2940, Orphanet 99810, MedGen C3280970, MONDO:0013773, OMIM 614483.

Allele frequency attached by ClinVar (database versions not stated): gnomAD 0.00004 and 0.00009; gnomAD exomes 0.00007 and 0.00018; TOPMed 0.00009; ExAC 0.00018; 1000 Genomes Project 30x 0.00062; 1000 Genomes Project 0.00080.
gnomAD v4.1: 107 of 1,609,908 alleles (0.0066%); highest among the groups gnomAD compares: East Asian, 0.23%; no homozygotes.

Submissions (3):

Labcorp Genetics (formerly Invitae), Labcorp
Classification: Benign. Last evaluated: 2024-05-08. Review status: criteria provided, single submitter. Criteria: Invitae Variant Classification Sherloc (09022015). Collection method: clinical testing. Allele origin: germline.

Department of Pathology and Laboratory Medicine, Sinai Health System
Classification: Likely benign for porencephaly 2. Last evaluated: 2022-06-22. Review status: criteria provided, single submitter. Criteria: ACMG Guidelines, 2015. Collection method: research. Allele origin: germline.

Illumina Laboratory Services, Illumina
Classification: Benign for Brain small vessel disease 2A, autosomal dominant. Last evaluated: 2018-01-12. Review status: criteria provided, single submitter. Criteria: ICSL Variant Classification Criteria 13 December 2019. Collection method: clinical testing. Allele origin: germline.
Comment: This variant was observed in the ICSL laboratory as part of a predisposition screen in an ostensibly healthy population. It had not been previously curated by ICSL or reported in the Human Gene Mutation Database (HGMD: prior to June 1st, 2018), and was therefore a candidate for classification through an automated scoring system. Utilizing variant allele frequency, disease prevalence and penetrance estimates, and inheritance mode, an automated score was calculated to assess if this variant is too frequent to cause the disease. Based on the score and internal cut-off values, a variant classified as benign is not then subjected to further curation. The score for this variant resulted in a classification of benign for this disease.